The following is an entry in ClinVar:

NM_001008216.2(GALE):c.493G>C (p.Glu165Gln)

Gene: GALE (UDP-galactose-4-epimerase; minus strand). Cytogenetic location: 1p36.11.
Variant type: single nucleotide variant.
Coding change: c.493G>C on transcript NM_001008216.2 (MANE Select); coding-DNA position 493, G replaced by C.
Protein change: p.Glu165Gln; replaces glutamic acid 165 with glutamine.
Molecular consequence: missense variant.
Genome position (GRCh38, 1-based): chr1:23,797,730, C>G on the plus strand (G>C on the coding strand, the complement: GALE is on the minus strand). VCF-style: chr1-23797730-C-G. GRCh37 (hg19) VCF-style: chr1-24124220-C-G.
Other names: c.493G>C, p.Glu165Gln (NM_000403.4, NM_001127621.2); short protein forms E165Q.
Identifiers: ClinVar variation 1972586 (VCV001972586.5), dbSNP rs528467258, ClinGen allele CA339010285.
Genomic context (GRCh38, chr1:23,797,730, plus strand): 5'-AGGGCACTGTCAAGGGGGCCCTCACCTTGTCTGCCTGGCACAGGTCCCGGATCATTTCCT[C>G]GATGAAGAACTTGGACTTGCCGTAAGGGTTGGTACAACCACCCGTGGGGTGGGCCTCATC-3'
Protein context (NP_001008217.1, residues 155-175): NPYGKSKFFI[Glu165Gln]EMIRDLCQAD

ClinVar aggregate classification (germline): Uncertain significance (1 of 4 stars; one submission).

Conditions:
UDPglucose-4-epimerase deficiency. Also called: UDPglucose 4-Epimerase Deficiency Disease; UDP-GALACTOSE-4-EPIMERASE DEFICIENCY; Galactose epimerase deficiency; GALACTOSEMIA III; GALE DEFICIENCY; Epimerase Deficiency Galactosemia. Identifiers: Orphanet 352, Orphanet 79238, MedGen C0751161, MONDO:0009257, OMIM 230350.

Allele frequency attached by ClinVar (database versions not stated): TOPMed below 0.00001.

Submission:

Labcorp Genetics (formerly Invitae), Labcorp
Classification: Uncertain significance for UDPglucose-4-epimerase deficiency. Last evaluated: 2022-02-09. Review status: criteria provided, single submitter. Criteria: Invitae Variant Classification Sherloc (09022015). Collection method: clinical testing. Allele origin: germline.
Comment: This variant is not present in population databases (gnomAD no frequency). This sequence change replaces glutamic acid, which is acidic and polar, with glutamine, which is neutral and polar, at codon 165 of the GALE protein (p.Glu165Gln). In summary, the available evidence is currently insufficient to determine the role of this variant in disease. Therefore, it has been classified as a Variant of Uncertain Significance. Algorithms developed to predict the effect of missense changes on protein structure and function are either unavailable or do not agree on the potential impact of this missense change (SIFT: "Deleterious"; PolyPhen-2: "Probably Damaging"; Align-GVGD: "Class C0"). This variant has not been reported in the literature in individuals affected with GALE-related conditions.